The following is an entry in ClinVar:

ClinVar aggregate classification (germline): Uncertain significance (1 of 4 stars; one submission).

Submission:

GeneDx
Classification: Uncertain significance. Last evaluated: 2017-04-13. Review status: criteria provided, single submitter. Criteria: GeneDx Variant Classification (06012015). Collection method: clinical testing. Allele origin: germline. Affected: yes.
Comment: The Y181X variant in the DISP1 gene has not been reported previously as a pathogenic variant nor as a benign variant, to our knowledge. This variant is predicted to cause loss of normal protein function either through protein truncation or nonsense-mediated mRNA decay. The Y181X variant is not observed in large population cohorts (Lek et al., 2016; 1000 Genomes Consortium et al., 2015; Exome Variant Server). We interpret Y181X as a variant of uncertain significance.

NM_001377229.1(DISP1):c.543T>G (p.Tyr181Ter)

Gene: DISP1 (dispatched RND transporter family member 1; plus strand). Cytogenetic location: 1q41.
Variant type: single nucleotide variant.
Coding change: c.543T>G on transcript NM_001377229.1 (MANE Select); coding-DNA position 543, T replaced by G.
Protein change: p.Tyr181Ter; replaces tyrosine 181 with a stop codon.
Molecular consequence: nonsense. On other transcripts: 5 prime UTR variant (1).
Genome position (GRCh38, 1-based): chr1:222,990,628, T>G. VCF-style: chr1-222990628-T-G. GRCh37 (hg19) VCF-style: chr1-223163970-T-G.
Other names: c.-345T>G (NM_001350630.2); c.543T>G, p.Tyr181Ter (NM_001369594.1, NM_001377228.1, NM_032890.5); short protein forms Y181*.
Identifiers: ClinVar variation 426518 (VCV000426518.2), dbSNP rs1085307664, ClinGen allele CA344676851.